The following is an entry in ClinVar:

NM_000053.4(ATP7B):c.3481A>G (p.Ile1161Val)

Gene: ATP7B (ATPase copper transporting beta; minus strand). Cytogenetic location: 13q14.3.
Variant type: single nucleotide variant.
Coding change: c.3481A>G on transcript NM_000053.4 (MANE Select); coding-DNA position 3481, A replaced by G.
Protein change: p.Ile1161Val; replaces isoleucine 1161 with valine.
Molecular consequence: missense variant. On other transcripts: intron variant (2).
Genome position (GRCh38, 1-based): chr13:51,941,156, T>C on the plus strand (A>G on the coding strand, the complement: ATP7B is on the minus strand). VCF-style: chr13-51941156-T-C. GRCh37 (hg19) VCF-style: chr13-52515292-T-C.
Other names: c.2860A>G, p.Ile954Val (NM_001005918.3); c.3148A>G, p.Ile1050Val (NM_001243182.2); c.3247A>G, p.Ile1083Val (NM_001330578.2, NM_001406527.1, NM_001406528.1); c.3229A>G, p.Ile1077Val (NM_001330579.2, NM_001406531.1, NM_001406532.1); c.3481A>G, p.Ile1161Val (NM_001406511.1, NM_001406512.1, NM_001406526.1); c.3475A>G, p.Ile1159Val (NM_001406513.1); c.3448A>G, p.Ile1150Val (NM_001406514.1); c.3427A>G, p.Ile1143Val (NM_001406515.1, NM_001406516.1); and 20 more; short protein forms I1012V, I1018V, I1048V, I1050V, I1051V, I1065V, I1077V, I1081V.
Identifiers: ClinVar variation 3074876 (VCV003074876.1), dbSNP rs1162880416, ClinGen allele CA388026440.

ClinVar aggregate classification (germline): Uncertain significance (1 of 4 stars; one submission).

Conditions:
Wilson disease (WND). Also called: Wilson's disease. Identifiers: Orphanet 905, MedGen C0019202, MONDO:0010200, OMIM 277900. Disease mechanism: loss of function.

gnomAD v4.1: 2 of 1,614,100 alleles (0.00012%); highest among the groups gnomAD compares: Admixed American, 0.0017%; no homozygotes.

Submission:

All of Us Research Program, National Institutes of Health
Classification: Uncertain significance for Wilson disease. Last evaluated: 2023-12-13. Review status: criteria provided, single submitter. Criteria: ACMG Guidelines, 2015. Collection method: clinical testing. Allele origin: germline. Inheritance: Autosomal recessive inheritance. Observed: 1 variant allele, 1 heterozygote.
Comment: This missense variant replaces isoleucine with valine at codon 1161 of the ATP7B protein. Computational prediction suggests that this variant may not impact protein structure and function (internally defined REVEL score threshold <= 0.5, PMID: 27666373). To our knowledge, functional studies have not been reported for this variant. This variant has not been reported in individuals affected with ATP7B-related disorders in the literature. This variant has not been identified in the general population by the Genome Aggregation Database (gnomAD). The available evidence is insufficient to determine the role of this variant in disease conclusively. Therefore, this variant is classified as a Variant of Uncertain Significance.

This study involves interpretation of variants in research participants for the purpose of population health screening. Participant phenotype was not available at the time of variant classification. Additional details can be found in publication PMID: 35346344, PMCID: PMC8962531